The following is an entry in ClinVar:

NM_001003841.3(SLC6A19):c.836_838del (p.Phe279del)

Gene: SLC6A19 (solute carrier family 6 member 19; plus strand). Cytogenetic location: 5p15.33.
Variant type: Deletion.
Coding change: c.836_838del on transcript NM_001003841.3 (MANE Select); coding-DNA positions 836 to 838, 3 bases deleted (TCT; older notation c.836_838delTCT).
Protein change: p.Phe279del; deletes phenylalanine 279.
Molecular consequence: inframe deletion.
Genome position (GRCh38, 1-based): chr5:1,214,014-1,214,016, TCT deleted; deleting any 3 consecutive bases within chr5:1,214,012-1,214,016 gives the same sequence; the c. name uses the placement nearest the transcript's 3' end. VCF-style (leftmost placement, unchanged base first): chr5-1214011-CCTT-C. GRCh37 (hg19) VCF-style: chr5-1214126-CCTT-C.
Other names: short protein forms F279del.
Identifiers: ClinVar variation 1468443 (VCV001468443.6), dbSNP rs1188882343, ClinGen allele CA557557833.

ClinVar aggregate classification (germline): Uncertain significance (1 of 4 stars; one submission).

Submission:

Labcorp Genetics (formerly Invitae), Labcorp
Classification: Uncertain significance. Last evaluated: 2023-08-30. Review status: criteria provided, single submitter. Criteria: Invitae Variant Classification Sherloc (09022015). Collection method: clinical testing. Allele origin: germline.
Comment: This variant, c.836_838del, results in the deletion of 1 amino acid(s) of the SLC6A19 protein (p.Phe279del), but otherwise preserves the integrity of the reading frame. This variant is present in population databases (no rsID available, gnomAD 0.002%). This variant has not been reported in the literature in individuals affected with SLC6A19-related conditions. ClinVar contains an entry for this variant (Variation ID: 1468443). Experimental studies and prediction algorithms are not available or were not evaluated, and the functional significance of this variant is currently unknown. In summary, the available evidence is currently insufficient to determine the role of this variant in disease. Therefore, it has been classified as a Variant of Uncertain Significance.